The following is an entry in ClinVar:

ClinVar aggregate classification (germline): Uncertain significance. Review status: criteria provided, multiple submitters, no conflicts (2 of 4 stars). 3 submissions from 3 submitters: Uncertain significance (3). Last evaluated 2025-10-21.

Conditions:
Inborn genetic diseases. Identifiers: MedGen C0950123, MeSH D030342.
EIF2B2-related disorder. Also called: EIF2B2-related condition.

Allele frequency attached by ClinVar (database versions not stated): gnomAD 0.00003; gnomAD exomes 0.00003; TOPMed 0.00003; ExAC 0.00004.
gnomAD v4.1: 51 of 1,614,060 alleles (0.0032%); highest among the groups gnomAD compares: Non-Finnish European, 0.0042%; no homozygotes.

Submissions (3):

PreventionGenetics, part of Exact Sciences
Classification: Uncertain significance for EIF2B2-related condition. Last evaluated: 2025-10-21. Review status: criteria provided, single submitter. Criteria: ACMG Guidelines, 2015. Collection method: clinical testing. Allele origin: germline.
Comment: The EIF2B2 c.16G>C variant is predicted to result in the amino acid substitution p.Ala6Pro. To our knowledge, this variant has not been reported in the literature. This variant is reported in 0.0053% of alleles in individuals of European (Non-Finnish) descent in gnomAD. At this time, the clinical significance of this variant is uncertain due to the absence of conclusive functional and genetic evidence.

Ambry Genetics
Classification: Uncertain significance for Inborn genetic diseases. Last evaluated: 2025-06-30. Review status: criteria provided, single submitter. Criteria: Ambry Variant Classification Scheme 2023. Collection method: clinical testing. Allele origin: germline.

Labcorp Genetics (formerly Invitae), Labcorp
Classification: Uncertain significance. Last evaluated: 2021-09-02. Review status: criteria provided, single submitter. Criteria: Invitae Variant Classification Sherloc (09022015). Collection method: clinical testing. Allele origin: germline.
Comment: This sequence change replaces alanine with proline at codon 6 of the EIF2B2 protein (p.Ala6Pro). The alanine residue is moderately conserved and there is a small physicochemical difference between alanine and proline. This variant is present in population databases (rs757868212, ExAC 0.008%). This variant has not been reported in the literature in individuals affected with EIF2B2-related conditions. Algorithms developed to predict the effect of missense changes on protein structure and function (SIFT, PolyPhen-2, Align-GVGD) all suggest that this variant is likely to be tolerated. In summary, the available evidence is currently insufficient to determine the role of this variant in disease. Therefore, it has been classified as a Variant of Uncertain Significance.

NM_014239.4(EIF2B2):c.16G>C (p.Ala6Pro)

Gene: EIF2B2 (eukaryotic translation initiation factor 2B subunit beta; plus strand). Cytogenetic location: 14q24.3.
Variant type: single nucleotide variant.
Coding change: c.16G>C on transcript NM_014239.4 (MANE Select); coding-DNA position 16, G replaced by C.
Protein change: p.Ala6Pro; replaces alanine 6 with proline.
Molecular consequence: missense variant.
Genome position (GRCh38, 1-based): chr14:75,003,006, G>C. VCF-style: chr14-75003006-G-C. GRCh37 (hg19) VCF-style: chr14-75469709-G-C.
Other names: c.16G>C (NM_014239.3); short protein forms A6P.
Identifiers: ClinVar variation 2076112 (VCV002076112.3), dbSNP rs757868212, ClinGen allele CA7274759.